The following is an entry in ClinVar:

NM_014467.3(SRPX2):c.893G>A (p.Arg298His)

Gene: SRPX2 (sushi repeat containing protein X-linked 2; plus strand). Cytogenetic location: Xq22.1.
Variant type: single nucleotide variant.
Coding change: c.893G>A on transcript NM_014467.3 (MANE Select); coding-DNA position 893, G replaced by A.
Protein change: p.Arg298His; replaces arginine 298 with histidine.
Molecular consequence: missense variant.
Genome position (GRCh38, 1-based): chrX:100,666,865, G>A. VCF-style: chrX-100666865-G-A. GRCh37 (hg19) VCF-style: chrX-99921862-G-A.
Other names: p.R298H:CGC>CAC; short protein forms R298H.
Identifiers: ClinVar variation 207393 (VCV000207393.16), dbSNP rs369663551, ClinGen allele CA318811.

ClinVar aggregate classification (germline): Conflicting classifications of pathogenicity. Review status: criteria provided, conflicting classifications (1 of 4 stars). 4 submissions from 4 submitters: Uncertain significance (2); Likely benign (2). Last evaluated 2024-10-07.

Conditions:
Rolandic epilepsy, impaired intellectual development, and speech dyspraxia, X-linked. Also called: Rolandic epilepsy, intellectual disability, and speech dyspraxia, X-linked; Rolandic epilepsy, impaired intellectual development, and speech dyspraxia. Identifiers: MedGen C1845070, MONDO:0010388, OMIM 300643.

Allele frequency attached by ClinVar (database versions not stated): gnomAD 0.00011 and 0.00013; TOPMed 0.00012; gnomAD exomes 0.00013; ExAC 0.00016; ESP Exome Variant Server 0.00019.
gnomAD v4.1: 124 of 1,210,166 alleles (0.01%); highest among the groups gnomAD compares: South Asian, 0.019%; no homozygotes.

Submissions (4):

Blueprint Genetics
Classification: Likely benign. Last evaluated: 2024-10-07. Review status: criteria provided, single submitter. Criteria: ACMG Guidelines, 2015. Collection method: clinical testing. Allele origin: germline.

Labcorp Genetics (formerly Invitae), Labcorp
Classification: Uncertain significance for Rolandic epilepsy, impaired intellectual development, and speech dyspraxia, X-linked. Last evaluated: 2020-01-27. Review status: criteria provided, single submitter. Criteria: Invitae Variant Classification Sherloc (09022015). Collection method: clinical testing. Allele origin: germline.
Comment: This sequence change replaces arginine with histidine at codon 298 of the SRPX2 protein (p.Arg298His). The arginine residue is highly conserved and there is a small physicochemical difference between arginine and histidine. This variant is present in population databases (rs369663551, ExAC 0.07%), and has an allele count higher than expected for a pathogenic variant (PMID: 28166811). This variant has not been reported in the literature in individuals with SRPX2-related conditions. ClinVar contains an entry for this variant (Variation ID: 207393). Algorithms developed to predict the effect of missense changes on protein structure and function are either unavailable or do not agree on the potential impact of this missense change (SIFT: "Tolerated"; PolyPhen-2: "Probably Damaging"; Align-GVGD: "Class C0"). In summary, the available evidence is currently insufficient to determine the role of this variant in disease. Therefore, it has been classified as a Variant of Uncertain Significance.

GeneDx
Classification: Likely benign. Last evaluated: 2016-07-13. Review status: criteria provided, single submitter. Criteria: GeneDx Variant Classification (06012015). Collection method: clinical testing. Allele origin: germline. Affected: yes.
Comment: This variant is considered likely benign or benign based on one or more of the following criteria: it is a conservative change, it occurs at a poorly conserved position in the protein, it is predicted to be benign by multiple in silico algorithms, and/or has population frequency not consistent with disease.

Genetic Services Laboratory, University of Chicago
Classification: Uncertain significance. Last evaluated: 2014-12-29. Review status: criteria provided, single submitter. Criteria: ACMG Guidelines, 2015. Collection method: clinical testing. Allele origin: germline.

Literature cited by the submitters: PubMed 28166811 (cited by Labcorp Genetics (formerly Invitae), Labcorp).